The following is an entry in ClinVar:

ClinVar aggregate classification (germline): Conflicting classifications of pathogenicity. Review status: criteria provided, conflicting classifications (1 of 4 stars). 8 submissions from 7 submitters: Uncertain significance (3); Likely benign (4). 1 of the submissions does not count toward it. Last evaluated 2026-01-26.

Conditions:
Lethal Kniest-like syndrome (DDSH). Also called: Dyssegmental Dysplasia. Identifiers: Orphanet 1865, MedGen C1857100, MONDO:0009140, OMIM 224410.
HSPG2-related disorder. Also called: HSPG2-related condition; HSPG2-related disorders.
Inborn genetic diseases. Identifiers: MedGen C0950123, MeSH D030342.
Schwartz-Jampel syndrome. Also called: Myotonic myopathy dwarfism chondrodystrophy and ocular and facial abnormalities. Identifiers: Orphanet 800, MedGen C0036391, MONDO:0009717.

Allele frequency attached by ClinVar (database versions not stated): gnomAD 0.00076 and 0.00079; 1000 Genomes Project 30x 0.00078; 1000 Genomes Project 0.00080; TOPMed 0.00085; gnomAD exomes 0.00008 and 0.00011; ExAC 0.00009.
gnomAD v4.1: 235 of 1,543,508 alleles (0.015%); highest among the groups gnomAD compares: African/African-American, 0.29%; no homozygotes.

Submissions (8):

Labcorp Genetics (formerly Invitae), Labcorp
Classification: Likely benign. Last evaluated: 2026-01-26. Review status: criteria provided, single submitter. Criteria: Invitae Variant Classification Sherloc (09022015). Collection method: clinical testing. Allele origin: germline.

Women's Health and Genetics/Laboratory Corporation of America, LabCorp
Classification: Likely benign. Last evaluated: 2025-12-09. Review status: criteria provided, single submitter. Criteria: LabCorp Variant Classification Summary - May 2015. Collection method: clinical testing. Allele origin: germline.
Comment: Variant summary: HSPG2 c.13145C>A (p.Ala4382Asp) results in a non-conservative amino acid change in the encoded protein sequence. Algorithms developed to predict the effect of missense changes on protein structure and function are either unavailable or do not agree on the potential impact of this missense change. The variant allele was found at a frequency of 0.00015 in 1543508 control chromosomes, predominantly at a frequency of 0.0029 within the African or African-American subpopulation in the gnomAD database. The observed variant frequency within African or African-American control individuals in the gnomAD database exceeds the estimated maximal expected allele frequency for disease-causing variants in HSPG2. To our knowledge, no occurrence of c.13145C>A in individuals affected with HSPG2-related conditions and no experimental evidence demonstrating its impact on protein function have been reported. ClinVar contains an entry for this variant (Variation ID: 295693). Based on the evidence outlined above, the variant was classified as likely benign.

ARUP Laboratories, Molecular Genetics and Genomics, ARUP Laboratories
Classification: Likely benign. Last evaluated: 2024-01-26. Review status: criteria provided, single submitter. Criteria: ARUP Molecular Germline Variant Investigation Process 2024. Collection method: clinical testing. Allele origin: germline.

Ambry Genetics
Classification: Likely benign for Inborn genetic diseases. Last evaluated: 2022-07-07. Review status: criteria provided, single submitter. Criteria: Ambry Variant Classification Scheme 2023. Collection method: clinical testing. Allele origin: germline.

Revvity Omics, Revvity
Classification: Uncertain significance. Last evaluated: 2019-05-30. Review status: criteria provided, single submitter. Criteria: ACMG Guidelines, 2015. Collection method: clinical testing. Allele origin: germline.

Illumina Laboratory Services, Illumina
Classification: Uncertain significance for Schwartz-Jampel syndrome type 1. Last evaluated: 2018-01-12. Review status: criteria provided, single submitter. Criteria: ICSL Variant Classification Criteria 13 December 2019. Collection method: clinical testing. Allele origin: germline.

Illumina Laboratory Services, Illumina
Classification: Uncertain significance for Lethal Kniest-like syndrome. Last evaluated: 2018-01-12. Review status: criteria provided, single submitter. Criteria: ICSL Variant Classification Criteria 13 December 2019. Collection method: clinical testing. Allele origin: germline.

PreventionGenetics, part of Exact Sciences
Classification: Likely benign for HSPG2-related condition. Last evaluated: 2022-07-08. Review status: no assertion criteria provided. Collection method: clinical testing. Allele origin: germline. Not counted in ClinVar's aggregate classification.
Comment: This variant is classified as likely benign based on ACMG/AMP sequence variant interpretation guidelines (Richards et al. 2015 PMID: 25741868, with internal and published modifications).

NM_005529.7(HSPG2):c.13145C>A (p.Ala4382Asp)

Genes: HSPG2 (heparan sulfate proteoglycan 2; minus strand), LDLRAD2 (low density lipoprotein receptor class A domain containing 2; plus strand). Cytogenetic location: 1p36.12.
Variant type: single nucleotide variant.
Coding change: c.13145C>A on transcript NM_005529.7 (MANE Select); coding-DNA position 13145, C replaced by A.
Protein change: p.Ala4382Asp; replaces alanine 4382 with aspartic acid.
Molecular consequence: missense variant. On other transcripts: 3 prime UTR variant (1).
Genome position (GRCh38, 1-based): chr1:21,823,347, G>T on the plus strand (C>A on the coding strand, the complement: HSPG2 is on the minus strand). VCF-style: chr1-21823347-G-T. GRCh37 (hg19) VCF-style: chr1-22149840-G-T.
Other names: c.13148C>A, p.Ala4383Asp (NM_001291860.2); c.*1132G>T (NM_001013693.3); short protein forms A4382D, A4383D.
Identifiers: ClinVar variation 295693 (VCV000295693.26), dbSNP rs116316900, ClinGen allele CA669117.